The following is an entry in ClinVar:

NM_017736.5(THUMPD1):c.634dup (p.Glu212fs)

Genes: ACSM3 (acyl-CoA synthetase medium chain family member 3; plus strand), THUMPD1 (THUMP domain containing 1; minus strand). Cytogenetic location: 16p12.3.
Variant type: Duplication.
Coding change: c.634dup on transcript NM_017736.5 (MANE Select); coding-DNA position 634, one base duplicated (G; older notation c.634dupG).
Protein change: p.Glu212fs; shifts the reading frame from glutamic acid 212.
Molecular consequence: frameshift variant.
Genome position (GRCh38, 1-based): chr16:20,737,729, C duplicated on the plus strand (G on the coding strand, the reverse complement: THUMPD1 is on the minus strand). VCF-style (leftmost placement, unchanged base first): chr16-20737728-T-TC. GRCh37 (hg19) VCF-style: chr16-20749050-T-TC.
Other names: c.634dup, p.Glu212fs (NM_001304550.2); c.634dupG (NM_001304550.1); short protein forms E212fs.
Identifiers: ClinVar variation 1333102 (VCV001333102.3), dbSNP rs2152417708, ClinGen allele CA2573054161.

ClinVar aggregate classification (germline): Pathogenic. Review status: criteria provided, multiple submitters, no conflicts (2 of 4 stars). 3 submissions from 3 submitters: Pathogenic (2). 1 of the submissions does not count toward it. Last evaluated 2023-12-21.

Conditions:
Neurodevelopmental disorder with speech delay and variable ocular anomalies (NEDSOA). Identifiers: MedGen C5774194, MONDO:0859272, OMIM 619989.
Neurodevelopmental disorder. Identifiers: MedGen C1535926, MeSH D065886, MONDO:0700092.

Submissions (3):

Victorian Clinical Genetics Services, Murdoch Childrens Research Institute
Classification: Pathogenic for Neurodevelopmental disorder with speech delay and variable ocular anomalies. Last evaluated: 2023-12-21. Review status: criteria provided, single submitter. Criteria: ACMG Guidelines, 2015. Collection method: clinical testing. Allele origin: germline. Inheritance: Autosomal recessive inheritance. Affected: yes.
Comment: Based on the classification scheme VCGS_Germline_v1.3.4, this variant is classified as Pathogenic. Following criteria are met: 0102 - Loss of function is a known mechanism of disease in this gene and is associated with neurodevelopmental disorder with speech delay and variable ocular anomalies (MIM#619989). (I) 0106 - This gene is associated with autosomal recessive disease. (I) 0204 - Variant is predicted to result in a truncated protein (premature termination codon is NOT located at least 54 nucleotides upstream of the final exon-exon junction) with at least 1/3 of the protein sequence affected. (SP) 0252 - This variant is homozygous. (I) 0301 - Variant is absent from gnomAD (both v2 and v3). (SP) 0600 - Variant is expected to disrupt the THUMP domain (DECIPHER). (I) 0704 - Another premature termination variant comparable to the one identified in this case has limited previous evidence for pathogenicity. p.(Gln236*) has been reported as homozygous in three individuals with syndromic neurodevelopmental disorder in two families (PMID: 35196516). It has also been reported as a VUS by a clinical testing laboratory, however no further information was provided (ClinVar). In addition, p.(Leu258del) has been reported in three affected siblings with syndromic neurodevelopmental disorder (PMID: 35196516). (SP) 0807 - This variant has no previous evidence of pathogenicity. (I) 0905 - No published segregation evidence has been identified for this variant. (I) 1007 - No published functional evidence has been identified for this variant. (I) 1209 - This variant has been shown to be both maternally and paternally inherited (biallelic) (by research trio analysis, PMID: 35196516). (I) Legend: (SP) - Supporting pathogenic, (I) - Information, (SB) - Supporting benign

Laboratory of Molecular Genetics (Pr. Bezieau's lab), CHU de Nantes
Classification: Pathogenic for Neurodevelopmental disorder. Last evaluated: 2021-12-15. Review status: criteria provided, single submitter. Criteria: ACMG Guidelines, 2015. Collection method: research. Allele origin: inherited. Affected: yes.

OMIM
Classification: Pathogenic for NEURODEVELOPMENTAL DISORDER WITH SPEECH DELAY AND VARIABLE OCULAR ANOMALIES. Last evaluated: 2022-08-10. Review status: no assertion criteria provided. Collection method: literature only. Allele origin: germline. Not counted in ClinVar's aggregate classification.

Literature cited by the submitters: PubMed 35196516 (cited by Victorian Clinical Genetics Services, Murdoch Childrens Research Institute and OMIM).